The following is an entry in ClinVar:

NM_025179.4(PLXNA2):c.4030G>A (p.Gly1344Arg)

Gene: PLXNA2 (plexin A2; minus strand). Cytogenetic location: 1q32.2.
Variant type: single nucleotide variant.
Coding change: c.4030G>A on transcript NM_025179.4 (MANE Select); coding-DNA position 4030, G replaced by A.
Protein change: p.Gly1344Arg; replaces glycine 1344 with arginine.
Molecular consequence: missense variant.
Genome position (GRCh38, 1-based): chr1:208,042,354, C>T on the plus strand (G>A on the coding strand, the complement: PLXNA2 is on the minus strand). VCF-style: chr1-208042354-C-T. GRCh37 (hg19) VCF-style: chr1-208215699-C-T.
Other names: c.4030G>A (NM_025179.3); short protein forms G1344R.
Identifiers: ClinVar variation 2885133 (VCV002885133.5), dbSNP rs201000832, ClinGen allele CA1372978.

ClinVar aggregate classification (germline): Uncertain significance. Review status: criteria provided, multiple submitters, no conflicts (2 of 4 stars). 3 submissions from 3 submitters: Uncertain significance (2). 1 of the submissions does not count toward it. Last evaluated 2025-12-16.

Conditions:
PLXNA2-related disorder. Also called: PLXNA2-related condition.

Allele frequency attached by ClinVar (database versions not stated): gnomAD 0.00001; gnomAD exomes 0.00001; TOPMed 0.00002; ExAC 0.00004; 1000 Genomes Project 30x 0.00031; 1000 Genomes Project 0.00040.
gnomAD v4.1: 21 of 1,613,498 alleles (0.0013%); highest among the groups gnomAD compares: Middle Eastern, 0.017%; no homozygotes.

Submissions (3):

Ambry Genetics
Classification: Uncertain significance. Last evaluated: 2025-12-16. Review status: criteria provided, single submitter. Criteria: Ambry Variant Classification Scheme 2023. Collection method: clinical testing. Allele origin: germline.

Labcorp Genetics (formerly Invitae), Labcorp
Classification: Uncertain significance. Last evaluated: 2023-03-27. Review status: criteria provided, single submitter. Criteria: Invitae Variant Classification Sherloc (09022015). Collection method: clinical testing. Allele origin: germline.
Comment: This sequence change replaces glycine, which is neutral and non-polar, with arginine, which is basic and polar, at codon 1344 of the PLXNA2 protein (p.Gly1344Arg). This variant is present in population databases (rs201000832, gnomAD 0.01%). This variant has not been reported in the literature in individuals affected with PLXNA2-related conditions. An algorithm developed to predict the effect of missense changes on protein structure and function (PolyPhen-2) suggests that this variant is likely to be tolerated. In summary, the available evidence is currently insufficient to determine the role of this variant in disease. Therefore, it has been classified as a Variant of Uncertain Significance.

PreventionGenetics, part of Exact Sciences
Classification: Uncertain significance for PLXNA2-related condition. Last evaluated: 2024-05-28. Review status: no assertion criteria provided. Collection method: clinical testing. Allele origin: germline. Not counted in ClinVar's aggregate classification.
Comment: The PLXNA2 c.4030G>A variant is predicted to result in the amino acid substitution p.Gly1344Arg. To our knowledge, this variant has not been reported in the literature. This variant is reported in 0.0098% of alleles in individuals of South Asian descent in gnomAD. At this time, the clinical significance of this variant is uncertain due to the absence of conclusive functional and genetic evidence.